The following is an entry in ClinVar:

ClinVar aggregate classification (germline): Benign/Likely benign. Review status: criteria provided, single submitter (1 of 4 stars). 4 submissions from 1 submitter: Benign (3); Likely benign (1). Last evaluated 2018-01-12.

Conditions:
Pheochromocytoma. Also called: MAX-Related Hereditary Paraganglioma-Pheochromocytoma Syndrome. Identifiers: Orphanet 29072, MedGen C0031511, MONDO:0008233, OMIM 171300, HP:0002666.
Multiple endocrine neoplasia. Identifiers: Orphanet 276161, MedGen C0027662, MONDO:0017169.
Renal hypodysplasia/aplasia 1 (RHDA1). Also called: RENAL APLASIA; HEREDITARY RENAL APLASIA. Identifiers: Orphanet 411709, MedGen C1619700, MONDO:0024519, OMIM 191830.
Hirschsprung disease, susceptibility to, 1 (HSCR1). Also called: RET-Related Hirschsprung Disease. Identifiers: Orphanet 388, MedGen C3888239, MONDO:0007723, OMIM 142623.

Allele frequency attached by ClinVar (database versions not stated): gnomAD exomes 0.00027; gnomAD 0.00241 and 0.00260; TOPMed 0.00266; 1000 Genomes Project 30x 0.00297; 1000 Genomes Project 0.00339.
gnomAD v4.1: 447 of 396,900 alleles (0.11%); highest among the groups gnomAD compares: African/African-American, 0.83%; 1 homozygote.

Submissions (4):

Illumina Laboratory Services, Illumina
Classification: Benign for Pheochromocytoma. Last evaluated: 2018-01-12. Review status: criteria provided, single submitter. Criteria: ICSL Variant Classification Criteria 13 December 2019. Collection method: clinical testing. Allele origin: germline.
Comment: This variant was observed in the ICSL laboratory as part of a predisposition screen in an ostensibly healthy population. It had not been previously curated by ICSL or reported in the Human Gene Mutation Database (HGMD: prior to June 1st, 2018), and was therefore a candidate for classification through an automated scoring system. Utilizing variant allele frequency, disease prevalence and penetrance estimates, and inheritance mode, an automated score was calculated to assess if this variant is too frequent to cause the disease. Based on the score and internal cut-off values, a variant classified as benign is not then subjected to further curation. The score for this variant resulted in a classification of benign for this disease.

Illumina Laboratory Services, Illumina
Classification: Benign for Hirschsprung disease, susceptibility to, 1. Last evaluated: 2018-01-12. Review status: criteria provided, single submitter. Criteria: ICSL Variant Classification Criteria 13 December 2019. Collection method: clinical testing. Allele origin: germline.
Comment: the same text as in the submission from Illumina Laboratory Services, Illumina above.

Illumina Laboratory Services, Illumina
Classification: Likely benign for Renal hypodysplasia/aplasia 1. Last evaluated: 2018-01-12. Review status: criteria provided, single submitter. Criteria: ICSL Variant Classification Criteria 13 December 2019. Collection method: clinical testing. Allele origin: germline.
Comment: This variant was observed in the ICSL laboratory as part of a predisposition screen in an ostensibly healthy population. It had not been previously curated by ICSL or reported in the Human Gene Mutation Database (HGMD: prior to June 1st, 2018), and was therefore a candidate for classification through an automated scoring system. Utilizing variant allele frequency, disease prevalence and penetrance estimates, and inheritance mode, an automated score was calculated to assess if this variant is too frequent to cause the disease. Based on the score and internal cut-off values, a variant classified as likely benign is not then subjected to further curation. The score for this variant resulted in a classification of likely benign for this disease.

Illumina Laboratory Services, Illumina
Classification: Benign for Multiple endocrine neoplasia. Last evaluated: 2018-01-12. Review status: criteria provided, single submitter. Criteria: ICSL Variant Classification Criteria 13 December 2019. Collection method: clinical testing. Allele origin: germline.
Comment: the same text as in the submission from Illumina Laboratory Services, Illumina above.

NM_020975.6(RET):c.*1558A>C

Gene: RET (ret proto-oncogene; plus strand). Cytogenetic location: 10q11.21.
Variant type: single nucleotide variant.
Coding change: c.*1558A>C on transcript NM_020975.6 (MANE Select); 1558 bases downstream of the stop codon, A replaced by C.
Molecular consequence: 3 prime UTR variant.
Genome position (GRCh38, 1-based): chr10:43,129,827, A>C. VCF-style: chr10-43129827-A-C. GRCh37 (hg19) VCF-style: chr10-43625275-A-C.
Other names: c.*1558A>C (LRG_518t1).
Identifiers: ClinVar variation 299935 (VCV000299935.6), dbSNP rs142572876, ClinGen allele CA10631688.
Genomic context (GRCh38, chr10:43,129,827, plus strand): 5'-AGAGCCTTGTGGTGTGTGCGCACACACCCAGAGGGAGAGTTTGAAAAATGCTTATTGGAC[A>C]CGTAACCTGGCTCTAATTTGGGCTGTTTTTCAGATACACTGTGATAAGTTCTTTTACAAA-3'